The following is an entry in ClinVar:

ClinVar aggregate classification (germline): Benign. Review status: criteria provided, multiple submitters, no conflicts (2 of 4 stars). 3 submissions from 3 submitters: Benign (3). Last evaluated 2026-02-01.

Allele frequency attached by ClinVar (database versions not stated): TOPMed 0.01506; 1000 Genomes Project 30x 0.01562; gnomAD exomes 0.00133 and 0.00341; ExAC 0.00410; gnomAD 0.01304 and 0.01398; 1000 Genomes Project 0.01418; ESP Exome Variant Server 0.01461.

Submissions (3):

Labcorp Genetics (formerly Invitae), Labcorp
Classification: Benign. Last evaluated: 2026-02-01. Review status: criteria provided, single submitter. Criteria: Invitae Variant Classification Sherloc (09022015). Collection method: clinical testing. Allele origin: germline.

Mayo Clinic Laboratories, Mayo Clinic
Classification: Benign. Last evaluated: 2024-10-15. Review status: criteria provided, single submitter. Criteria: ACMG Guidelines, 2015. Collection method: clinical testing. Allele origin: germline. Observed: 5 variant alleles.
Comment: BS1, BS2, PP3

Breakthrough Genomics
Classification: Benign. Review status: criteria provided, single submitter. Criteria: ACMG Guidelines, 2015. Collection method: not provided. Allele origin: germline. Inheritance: Autosomal dominant inheritance. Affected: yes.

NM_001231.5(CASQ1):c.215A>G (p.His72Arg)

Gene: CASQ1 (calsequestrin 1; plus strand). Cytogenetic location: 1q23.2.
Variant type: single nucleotide variant.
Coding change: c.215A>G on transcript NM_001231.5 (MANE Select); coding-DNA position 215, A replaced by G.
Protein change: p.His72Arg; replaces histidine 72 with arginine.
Molecular consequence: missense variant.
Genome position (GRCh38, 1-based): chr1:160,190,966, A>G. VCF-style: chr1-160190966-A-G. GRCh37 (hg19) VCF-style: chr1-160160756-A-G.
Other names: p.His72Arg; short protein forms H72R.
Identifiers: ClinVar variation 788843 (VCV000788843.12), dbSNP rs74123281, ClinGen allele CA1196092.